The following is an entry in ClinVar:

ClinVar aggregate classification (germline): Uncertain significance (1 of 4 stars; one submission).

Conditions:
Torsion dystonia 6 (DYT6). Also called: DYT-THAP1. Identifiers: Orphanet 98806, MedGen C1414216, MONDO:0011264, OMIM 602629.

Allele frequency attached by ClinVar (database versions not stated): gnomAD 0.00006; TOPMed 0.00006.
gnomAD v4.1: 9 of 152,150 alleles (0.0059%); highest among the groups gnomAD compares: Admixed American, 0.039%; no homozygotes.

Submission:

Centre for Mendelian Genomics, University Medical Centre Ljubljana
Classification: Uncertain significance for Torsion dystonia 6. Last evaluated: 2018-12-24. Review status: criteria provided, single submitter. Criteria: ACMG Guidelines, 2015. Collection method: clinical testing. Allele origin: unknown. Affected: yes.
Comment: This variant was classified as: Uncertain significance. The available evidence on this variant's pathogenicity is insufficient or conflicting. The following ACMG criteria were applied in classifying this variant: PP2.

NM_018105.3(THAP1):c.268-159A>G

Gene: THAP1 (THAP domain containing 1; minus strand). Cytogenetic location: 8p11.21.
Variant type: single nucleotide variant.
Coding change: c.268-159A>G on transcript NM_018105.3 (MANE Select); 159 bases into the intron before coding-DNA position 268, A replaced by G.
Molecular consequence: intron variant.
Genome position (GRCh38, 1-based): chr8:42,838,495, T>C on the plus strand (A>G on the coding strand, the complement: THAP1 is on the minus strand). VCF-style: chr8-42838495-T-C. GRCh37 (hg19) VCF-style: chr8-42693638-T-C.
Other names: c.72-159A>G (NM_199003.2).
Identifiers: ClinVar variation 930300 (VCV000930300.3), dbSNP rs1375424771, ClinGen allele CA581616594.
Genomic context (GRCh38, chr8:42,838,495, plus strand): 5'-TAGTACTTTTGTGAGGAAGAGGTGGGCGGATCACCTGAGGTCAGGAGTTTGAGACCAGCC[T>C]GGCCAACATGGTGAAACCCTGTCTCTGCTAAAAATACAAAAATTAGCCAGATGTGGTGGT-3'